The following is an entry in ClinVar:

NM_020937.4(FANCM):c.3533T>C (p.Ile1178Thr)

Gene: FANCM (FA complementation group M; plus strand). Cytogenetic location: 14q21.2.
Variant type: single nucleotide variant.
Coding change: c.3533T>C on transcript NM_020937.4 (MANE Select); coding-DNA position 3533, T replaced by C.
Protein change: p.Ile1178Thr; replaces isoleucine 1178 with threonine.
Molecular consequence: missense variant.
Genome position (GRCh38, 1-based): chr14:45,176,287, T>C. VCF-style: chr14-45176287-T-C. GRCh37 (hg19) VCF-style: chr14-45645490-T-C.
Other names: c.3455T>C, p.Ile1152Thr (NM_001308133.2); short protein forms I1152T, I1178T.
Identifiers: ClinVar variation 4254632 (VCV004254632.1).

ClinVar aggregate classification (germline): Uncertain significance (1 of 4 stars; one submission).

Conditions:
Inborn genetic diseases. Identifiers: MedGen C0950123, MeSH D030342.

Submission:

Ambry Genetics
Classification: Uncertain significance for Inborn genetic diseases. Last evaluated: 2025-08-01. Review status: criteria provided, single submitter. Criteria: Ambry Variant Classification Scheme 2023. Collection method: clinical testing. Allele origin: germline.
Comment: The p.I1178T variant (also known as c.3533T>C), located in coding exon 14 of the FANCM gene, results from a T to C substitution at nucleotide position 3533. The isoleucine at codon 1178 is replaced by threonine, an amino acid with similar properties. This amino acid position is conserved. In addition, this alteration is predicted to be tolerated by in silico analysis. Based on the available evidence, the clinical significance of this variant remains unclear.